The following is an entry in ClinVar:

NM_001081550.2(THOC2):c.2216C>T (p.Ala739Val)

Gene: THOC2 (THO complex subunit 2; minus strand). Cytogenetic location: Xq25.
Variant type: single nucleotide variant.
Coding change: c.2216C>T on transcript NM_001081550.2 (MANE Select); coding-DNA position 2216, C replaced by T.
Protein change: p.Ala739Val; replaces alanine 739 with valine.
Molecular consequence: missense variant.
Genome position (GRCh38, 1-based): chrX:123,632,961, G>A on the plus strand (C>T on the coding strand, the complement: THOC2 is on the minus strand). VCF-style: chrX-123632961-G-A. GRCh37 (hg19) VCF-style: chrX-122766812-G-A.
Other names: short protein forms A739V.
Identifiers: ClinVar variation 3372157 (VCV003372157.1).

ClinVar aggregate classification (germline): Uncertain significance (1 of 4 stars; one submission).

Submission:

GeneDx
Classification: Uncertain significance. Last evaluated: 2024-04-09. Review status: criteria provided, single submitter. Criteria: GeneDx Variant Classification Process June 2021. Collection method: clinical testing. Allele origin: germline. Affected: yes.
Comment: Not observed at significant frequency in large population cohorts (gnomAD); In silico analysis supports that this missense variant has a deleterious effect on protein structure/function; Has not been previously published as pathogenic or benign to our knowledge